The following is an entry in ClinVar:

NM_001958.5(EEF1A2):c.471C>G (p.Ser157=)

Genes: EEF1A2 (eukaryotic translation elongation factor 1 alpha 2; minus strand), LOC132090595 (Neanderthal introgressed variant-containing enhancer experimental_60987; plus strand). Cytogenetic location: 20q13.33.
Variant type: single nucleotide variant.
Coding change: c.471C>G on transcript NM_001958.5 (MANE Select); coding-DNA position 471, C replaced by G.
Protein change: p.Ser157=; no amino-acid change (serine 157 retained).
Molecular consequence: synonymous variant.
Genome position (GRCh38, 1-based): chr20:63,494,955, G>C on the plus strand (C>G on the coding strand, the complement: EEF1A2 is on the minus strand). VCF-style: chr20-63494955-G-C. GRCh37 (hg19) VCF-style: chr20-62126308-G-C.
Identifiers: ClinVar variation 668277 (VCV000668277.6), dbSNP rs1600907789, ClinGen allele CA511340103.

ClinVar aggregate classification (germline): Likely benign. Review status: criteria provided, multiple submitters, no conflicts (2 of 4 stars). 2 submissions from 2 submitters: Likely benign (2). Last evaluated 2024-01-19.

Conditions:
Developmental and epileptic encephalopathy, 33 (DEE33). Also called: Epileptic encephalopathy, early infantile, 33. Identifiers: Orphanet 442835, MedGen C4225337, MONDO:0014625, OMIM 616409.

gnomAD v4.1: 1 of 1,612,818 alleles (0.000062%); no homozygotes.

Submissions (2):

Labcorp Genetics (formerly Invitae), Labcorp
Classification: Likely benign for Developmental and epileptic encephalopathy, 33. Last evaluated: 2024-01-19. Review status: criteria provided, single submitter. Criteria: Invitae Variant Classification Sherloc (09022015). Collection method: clinical testing. Allele origin: germline.

GeneDx
Classification: Likely benign. Last evaluated: 2018-05-08. Review status: criteria provided, single submitter. Criteria: GeneDx Variant Classification (06012015). Collection method: clinical testing. Allele origin: germline. Affected: yes.
Comment: This variant is considered likely benign or benign based on one or more of the following criteria: it is a conservative change, it occurs at a poorly conserved position in the protein, it is predicted to be benign by multiple in silico algorithms, and/or has population frequency not consistent with disease.